The following is an entry in ClinVar:

NM_001164508.2(NEB):c.20281_20282dup (p.Phe6762fs)

Gene: NEB (nebulin; minus strand). Cytogenetic location: 2q23.3.
Variant type: Duplication.
Coding change: c.20281_20282dup on transcript NM_001164508.2 (MANE Select); coding-DNA positions 20281 to 20282, 2 bases duplicated (TT; older notation c.20281_20282dupTT).
Protein change: p.Phe6762fs; shifts the reading frame from phenylalanine 6762.
Molecular consequence: frameshift variant.
Genome position (GRCh38, 1-based): chr2:151,547,514-151,547,515, AA duplicated on the plus strand (TT on the coding strand, the reverse complement: NEB is on the minus strand). VCF-style (leftmost placement, unchanged base first): chr2-151547513-G-GAA. GRCh37 (hg19) VCF-style: chr2-152404027-G-GAA.
Other names: c.20281_20282dup, p.Phe6762fs (NM_001164507.2, NM_001271208.2); c.15178_15179dup, p.Phe5061fs (NM_004543.5); short protein forms F6762fs, F5061fs.
Identifiers: ClinVar variation 961303 (VCV000961303.8), dbSNP rs2094863263, ClinGen allele CA1139657231.

ClinVar aggregate classification (germline): Pathogenic (1 of 4 stars; one submission).

Conditions:
Nemaline myopathy 2 (NEM2). Also called: Nemaline myopathy 2, autosomal recessive. Identifiers: MedGen C1850569, MONDO:0009725, OMIM 256030.

Submission:

Labcorp Genetics (formerly Invitae), Labcorp
Classification: Pathogenic for Nemaline myopathy 2. Last evaluated: 2023-05-24. Review status: criteria provided, single submitter. Criteria: Invitae Variant Classification Sherloc (09022015). Collection method: clinical testing. Allele origin: germline.
Comment: This sequence change creates a premature translational stop signal (p.Phe6762Serfs*8) in the NEB gene. It is expected to result in an absent or disrupted protein product. Loss-of-function variants in NEB are known to be pathogenic (PMID: 25205138). For these reasons, this variant has been classified as Pathogenic. ClinVar contains an entry for this variant (Variation ID: 961303). This variant has not been reported in the literature in individuals affected with NEB-related conditions. This variant is not present in population databases (gnomAD no frequency).

Literature cited by the submitters: PubMed 25205138.